The following is an entry in ClinVar:

ClinVar aggregate classification (germline): Uncertain significance (1 of 4 stars; one submission).

Conditions:
Early-infantile DEE. Also called: Early infantile epileptic encephalopathy with suppression bursts; Early infantile epileptic encephalopathy; Ohtahara syndrome. Identifiers: Orphanet 1934, MedGen C0393706, MONDO:0800491.

Submission:

Labcorp Genetics (formerly Invitae), Labcorp
Classification: Uncertain significance for Early-infantile DEE. Last evaluated: 2022-10-13. Review status: criteria provided, single submitter. Criteria: Invitae Variant Classification Sherloc (09022015). Collection method: clinical testing. Allele origin: germline.
Comment: This sequence change replaces isoleucine, which is neutral and non-polar, with asparagine, which is neutral and polar, at codon 376 of the KCNH5 protein (p.Ile376Asn). This variant is not present in population databases (gnomAD no frequency). This variant has not been reported in the literature in individuals affected with KCNH5-related conditions. Advanced modeling of protein sequence and biophysical properties (such as structural, functional, and spatial information, amino acid conservation, physicochemical variation, residue mobility, and thermodynamic stability) performed at Invitae indicates that this missense variant is not expected to disrupt KCNH5 protein function. In summary, the available evidence is currently insufficient to determine the role of this variant in disease. Therefore, it has been classified as a Variant of Uncertain Significance.

NM_139318.5(KCNH5):c.1127T>A (p.Ile376Asn)

Gene: KCNH5 (potassium voltage-gated channel subfamily H member 5; minus strand). Cytogenetic location: 14q23.2.
Variant type: single nucleotide variant.
Coding change: c.1127T>A on transcript NM_139318.5 (MANE Select); coding-DNA position 1127, T replaced by A.
Protein change: p.Ile376Asn; replaces isoleucine 376 with asparagine.
Molecular consequence: missense variant.
Genome position (GRCh38, 1-based): chr14:62,950,375, A>T on the plus strand (T>A on the coding strand, the complement: KCNH5 is on the minus strand). VCF-style: chr14-62950375-A-T. GRCh37 (hg19) VCF-style: chr14-63417093-A-T.
Other names: c.1127T>A, p.Ile376Asn (NM_172375.3); short protein forms I376N.
Identifiers: ClinVar variation 1713578 (VCV001713578.5), dbSNP rs1289850207, ClinGen allele CA390103209.